The following is an entry in ClinVar:

NM_078480.3(PUF60):c.87G>A (p.Ala29=)

Gene: PUF60 (poly(U) binding splicing factor 60; minus strand). Cytogenetic location: 8q24.3.
Variant type: single nucleotide variant.
Coding change: c.87G>A on transcript NM_078480.3 (MANE Select); coding-DNA position 87, G replaced by A.
Protein change: p.Ala29=; no amino-acid change (alanine 29 retained).
Molecular consequence: synonymous variant. On other transcripts: 5 prime UTR variant (2), intron variant (2).
Genome position (GRCh38, 1-based): chr8:143,824,337, C>T on the plus strand (G>A on the coding strand, the complement: PUF60 is on the minus strand). VCF-style: chr8-143824337-C-T. GRCh37 (hg19) VCF-style: chr8-144906507-C-T.
Other names: c.-43G>A (NM_001136033.3, NM_001271100.2); c.84G>A, p.Ala28= (NM_001271096.2, NM_001271098.2); c.198G>A, p.Ala66= (NM_001362895.2, NM_001362896.2, NM_001362897.2); c.87G>A, p.Ala29= (NM_014281.5); c.25-2424G>A (NM_001271097.2, NM_001271099.2).
Identifiers: ClinVar variation 4084301 (VCV004084301.8).

ClinVar aggregate classification (germline): Likely benign (1 of 4 stars; one submission).

gnomAD v4.1: 24 of 1,612,228 alleles (0.0015%); highest among the groups gnomAD compares: Non-Finnish European, 0.0019%; no homozygotes.

Submission:

CeGaT Center for Human Genetics Tuebingen
Classification: Likely benign. Last evaluated: 2025-06-01. Review status: criteria provided, single submitter. Criteria: CeGaT Center For Human Genetics Tuebingen Variant Classification Criteria Version 2. Collection method: clinical testing. Allele origin: germline. Affected: yes. Observed: 1 variant allele.
Comment: PUF60: BP4, BP7